The following is an entry in ClinVar:

ClinVar aggregate classification (germline): Pathogenic/Likely pathogenic. Review status: criteria provided, multiple submitters, no conflicts (2 of 4 stars). 2 submissions from 2 submitters: Pathogenic (1); Likely pathogenic (1). Last evaluated 2022-09-07.

Submissions (2):

Labcorp Genetics (formerly Invitae), Labcorp
Classification: Likely pathogenic. Last evaluated: 2022-09-07. Review status: criteria provided, single submitter. Criteria: Invitae Variant Classification Sherloc (09022015). Collection method: clinical testing. Allele origin: germline.
Comment: In summary, the currently available evidence indicates that the variant is pathogenic, but additional data are needed to prove that conclusively. Therefore, this variant has been classified as Likely Pathogenic. Algorithms developed to predict the effect of sequence changes on RNA splicing suggest that this variant may disrupt the consensus splice site. ClinVar contains an entry for this variant (Variation ID: 871314). This variant has not been reported in the literature in individuals affected with PLOD2-related conditions. This variant is not present in population databases (gnomAD no frequency). This sequence change affects a donor splice site in intron 13 of the PLOD2 gene. It is expected to disrupt RNA splicing. Variants that disrupt the donor or acceptor splice site typically lead to a loss of protein function (PMID: 16199547), and loss-of-function variants in PLOD2 are known to be pathogenic (PMID: 22689593, 25238597, 29178448).

CeGaT Center for Human Genetics Tuebingen
Classification: Pathogenic. Last evaluated: 2018-07-01. Review status: criteria provided, single submitter. Criteria: CeGaT Center For Human Genetics Tuebingen Variant Classification Criteria Version 2. Collection method: clinical testing. Allele origin: germline. Affected: yes. Observed: 3 variant alleles.

Literature cited by the submitters: PubMed 16199547 (cited by Labcorp Genetics (formerly Invitae), Labcorp); PubMed 22689593 (cited by Labcorp Genetics (formerly Invitae), Labcorp); PubMed 25238597 (cited by Labcorp Genetics (formerly Invitae), Labcorp); PubMed 29178448 (cited by Labcorp Genetics (formerly Invitae), Labcorp).

NM_182943.3(PLOD2):c.1500+1G>T

Gene: PLOD2 (procollagen-lysine,2-oxoglutarate 5-dioxygenase 2; minus strand). Cytogenetic location: 3q24.
Variant type: single nucleotide variant.
Coding change: c.1500+1G>T on transcript NM_182943.3 (MANE Select); the canonical splice donor site of the intron after coding-DNA position 1500, G replaced by T.
Molecular consequence: splice donor variant.
Genome position (GRCh38, 1-based): chr3:146,079,115, C>A on the plus strand (G>T on the coding strand, the complement: PLOD2 is on the minus strand). VCF-style: chr3-146079115-C-A. GRCh37 (hg19) VCF-style: chr3-145796902-C-A.
Other names: c.1500+1G>T (NM_000935.3).
Identifiers: ClinVar variation 871314 (VCV000871314.45), dbSNP rs1936442200, ClinGen allele CA354888177.
Genomic context (GRCh38, chr3:146,079,115, plus strand): 5'-CAACTGGTAAAGCAAGCCATCTTATAAGAACATTCAAGCAAGCCATCACTGCATATCTTA[C>A]CATTTCTCTAGCATTTCGGCAAAGAGCCATATCAGGATCCAGTTTATCACGAACAAAATA-3'